The following is an entry in ClinVar:

ClinVar aggregate classification (germline): Pathogenic. Review status: criteria provided, multiple submitters, no conflicts (2 of 4 stars). 2 submissions from 2 submitters: Pathogenic (2). Last evaluated 2024-03-06.

Conditions:
Werner syndrome (WRN). Identifiers: Orphanet 902, MedGen C0043119, MONDO:0010196, OMIM 277700.

Allele frequency attached by ClinVar (database versions not stated): gnomAD exomes below 0.00001; TOPMed below 0.00001; ESP Exome Variant Server 0.00008.
gnomAD v4.1: 2 of 1,610,372 alleles (0.00012%); highest among the groups gnomAD compares: Non-Finnish European, 0.00017%; no homozygotes.

Submissions (2):

Fulgent Genetics
Classification: Pathogenic for Werner syndrome. Last evaluated: 2024-03-06. Review status: criteria provided, single submitter. Criteria: ACMG Guidelines, 2015. Collection method: clinical testing. Allele origin: germline.

Labcorp Genetics (formerly Invitae), Labcorp
Classification: Pathogenic for Werner syndrome. Last evaluated: 2023-06-26. Review status: criteria provided, single submitter. Criteria: Invitae Variant Classification Sherloc (09022015). Collection method: clinical testing. Allele origin: germline.
Comment: For these reasons, this variant has been classified as Pathogenic. This premature translational stop signal has been observed in individual(s) with Werner syndrome (PMID: 30140198). The frequency data for this variant in the population databases is considered unreliable, as metrics indicate poor data quality at this position in the gnomAD database. This sequence change creates a premature translational stop signal (p.Trp529*) in the WRN gene. It is expected to result in an absent or disrupted protein product. Loss-of-function variants in WRN are known to be pathogenic (PMID: 16673358).

Literature cited by the submitters: PubMed 30140198 (cited by Labcorp Genetics (formerly Invitae), Labcorp); PubMed 16673358 (cited by Labcorp Genetics (formerly Invitae), Labcorp).

NM_000553.6(WRN):c.1587G>A (p.Trp529Ter)

Gene: WRN (WRN RecQ like helicase; plus strand). Cytogenetic location: 8p12.
Variant type: single nucleotide variant.
Coding change: c.1587G>A on transcript NM_000553.6 (MANE Select); coding-DNA position 1587, G replaced by A.
Protein change: p.Trp529Ter; replaces tryptophan 529 with a stop codon.
Molecular consequence: nonsense.
Genome position (GRCh38, 1-based): chr8:31,088,900, G>A. VCF-style: chr8-31088900-G-A. GRCh37 (hg19) VCF-style: chr8-30946416-G-A.
Other names: short protein forms W529*.
Identifiers: ClinVar variation 2729515 (VCV002729515.4), dbSNP rs369741345, ClinGen allele CA174864331.